The following is an entry in ClinVar:

NM_005560.6(LAMA5):c.4627T>C (p.Cys1543Arg)

Gene: LAMA5 (laminin subunit alpha 5; minus strand). Cytogenetic location: 20q13.33.
Variant type: single nucleotide variant.
Coding change: c.4627T>C on transcript NM_005560.6 (MANE Select); coding-DNA position 4627, T replaced by C.
Protein change: p.Cys1543Arg; replaces cysteine 1543 with arginine.
Molecular consequence: missense variant.
Genome position (GRCh38, 1-based): chr20:62,328,266, A>G on the plus strand (T>C on the coding strand, the complement: LAMA5 is on the minus strand). VCF-style: chr20-62328266-A-G. GRCh37 (hg19) VCF-style: chr20-60903322-A-G.
Other names: short protein forms C1543R.
Identifiers: ClinVar variation 2578295 (VCV002578295.1), dbSNP rs2516066874, ClinGen allele CA409565393.

ClinVar aggregate classification (germline): Uncertain significance (1 of 4 stars; one submission).

gnomAD v4.1: 1 of 1,607,846 alleles (0.000062%); highest among the groups gnomAD compares: Non-Finnish European, 0.000085%; no homozygotes.

Submission:

GeneDx
Classification: Uncertain significance. Last evaluated: 2023-08-31. Review status: criteria provided, single submitter. Criteria: GeneDx Variant Classification Process June 2021. Collection method: clinical testing. Allele origin: germline. Affected: yes.
Comment: Not observed at significant frequency in large population cohorts (gnomAD); In silico analysis supports that this missense variant has a deleterious effect on protein structure/function; Has not been previously published as pathogenic or benign to our knowledge